The following is an entry in ClinVar:

NM_001127178.3(PIGG):c.839C>T (p.Ser280Phe)

Gene: PIGG (phosphatidylinositol glycan anchor biosynthesis class G (EMM blood group); plus strand). Cytogenetic location: 4p16.3.
Variant type: single nucleotide variant.
Coding change: c.839C>T on transcript NM_001127178.3 (MANE Select); coding-DNA position 839, C replaced by T.
Protein change: p.Ser280Phe; replaces serine 280 with phenylalanine.
Molecular consequence: missense variant. On other transcripts: 5 prime UTR variant (3), non-coding transcript variant (10), intron variant (1).
Genome position (GRCh38, 1-based): chr4:508,908, C>T. VCF-style: chr4-508908-C-T. GRCh37 (hg19) VCF-style: chr4-502697-C-T.
Other names: c.572C>T, p.Ser191Phe (NM_001289051.2, NM_001289053.2, NM_001289057.2 and 2 more transcripts); c.440C>T, p.Ser147Phe (NM_001289052.2); c.473C>T, p.Ser158Phe (NM_001289055.2); c.839C>T, p.Ser280Phe (NM_001345989.2, NM_017733.5); c.-787C>T (NM_001345990.2); c.-649C>T (NM_001345991.2); c.-374C>T (NM_001345994.2); c.-129+1315C>T (NM_001345988.2); and 1 more; short protein forms S147F, S191F, S280F, S158F.
Identifiers: ClinVar variation 1378817 (VCV001378817.8), dbSNP rs1239778620, ClinGen allele CA355899995.

ClinVar aggregate classification (germline): Uncertain significance. Review status: criteria provided, multiple submitters, no conflicts (2 of 4 stars). 2 submissions from 2 submitters: Uncertain significance (2). Last evaluated 2022-08-16.

Conditions:
Intellectual disability, autosomal recessive 53 (NEDHSCA). Also called: Mental retardation, autosomal recessive 53; GLYCOSYLPHOSPHATIDYLINOSITOL BIOSYNTHESIS DEFECT 13; NEURODEVELOPMENTAL DISORDER WITH OR WITHOUT HYPOTONIA, SEIZURES, AND CEREBELLAR ATROPHY. Identifiers: Orphanet 488635, MedGen C4310794, MONDO:0014832, OMIM 616917.
Inborn genetic diseases. Identifiers: MedGen C0950123, MeSH D030342.

Allele frequency attached by ClinVar (database versions not stated): gnomAD exomes below 0.00001; gnomAD 0.00001; TOPMed 0.00001.
gnomAD v4.1: 3 of 1,613,456 alleles (0.00019%); highest among the groups gnomAD compares: African/African-American, 0.0013%; no homozygotes.

Submissions (2):

Labcorp Genetics (formerly Invitae), Labcorp
Classification: Uncertain significance for Intellectual disability, autosomal recessive 53. Last evaluated: 2022-08-16. Review status: criteria provided, single submitter. Criteria: Invitae Variant Classification Sherloc (09022015). Collection method: clinical testing. Allele origin: germline.
Comment: ClinVar contains an entry for this variant (Variation ID: 1378817). In summary, the available evidence is currently insufficient to determine the role of this variant in disease. Therefore, it has been classified as a Variant of Uncertain Significance. Algorithms developed to predict the effect of missense changes on protein structure and function are either unavailable or do not agree on the potential impact of this missense change (SIFT: "Deleterious"; PolyPhen-2: "Probably Damaging"; Align-GVGD: "Class C0"). This variant has not been reported in the literature in individuals affected with PIGG-related conditions. This variant is not present in population databases (gnomAD no frequency). This sequence change replaces serine, which is neutral and polar, with phenylalanine, which is neutral and non-polar, at codon 280 of the PIGG protein (p.Ser280Phe).

Ambry Genetics
Classification: Uncertain significance for Inborn genetic diseases. Last evaluated: 2021-04-28. Review status: criteria provided, single submitter. Criteria: Ambry Variant Classification Scheme 2023. Collection method: clinical testing. Allele origin: germline.